The following is an entry in ClinVar:

ClinVar aggregate classification (germline): Uncertain significance. Review status: criteria provided, multiple submitters, no conflicts (2 of 4 stars). 3 submissions from 3 submitters: Uncertain significance (3). Last evaluated 2025-12-02.

Conditions:
Aortic aneurysm, familial thoracic 7 (AAT7). Also called: AORTIC DISSECTION, FAMILIAL, WITH OR WITHOUT AORTIC ANEURYSM. Identifiers: MedGen C3151077, MONDO:0013418, OMIM 613780.
Familial thoracic aortic aneurysm and aortic dissection (TAAD). Also called: Thoracic aortic aneurysms and dissections. Identifiers: Orphanet 91387, MedGen C4707243, MONDO:0019625.

Allele frequency attached by ClinVar (database versions not stated): ExAC 0.00002.
gnomAD v4.1: 2 of 1,613,750 alleles (0.00012%); highest among the groups gnomAD compares: Non-Finnish European, 0.00017%; no homozygotes.

Submissions (3):

Ambry Genetics
Classification: Uncertain significance for Familial thoracic aortic aneurysm and aortic dissection. Last evaluated: 2025-12-02. Review status: criteria provided, single submitter. Criteria: Ambry Variant Classification Scheme 2023. Collection method: clinical testing. Allele origin: germline.
Comment: The p.T965N variant (also known as c.2894C>A), located in coding exon 15 of the MYLK gene, results from a C to A substitution at nucleotide position 2894. The threonine at codon 965 is replaced by asparagine, an amino acid with similar properties. This amino acid position is conserved. In addition, this alteration is predicted to be tolerated by in silico analysis. Based on the available evidence, the clinical significance of this variant remains unclear.

Labcorp Genetics (formerly Invitae), Labcorp
Classification: Uncertain significance for Aortic aneurysm, familial thoracic 7. Last evaluated: 2025-07-16. Review status: criteria provided, single submitter. Criteria: Invitae Variant Classification Sherloc (09022015). Collection method: clinical testing. Allele origin: germline.
Comment: This sequence change replaces threonine, which is neutral and polar, with asparagine, which is neutral and polar, at codon 965 of the MYLK protein (p.Thr965Asn). This variant is present in population databases (rs758996239, gnomAD 0.002%). This variant has not been reported in the literature in individuals affected with MYLK-related conditions. ClinVar contains an entry for this variant (Variation ID: 2894568). Invitae Evidence Modeling of protein sequence and biophysical properties (such as structural, functional, and spatial information, amino acid conservation, physicochemical variation, residue mobility, and thermodynamic stability) indicates that this missense variant is not expected to disrupt MYLK protein function with a negative predictive value of 80%. In summary, the available evidence is currently insufficient to determine the role of this variant in disease. Therefore, it has been classified as a Variant of Uncertain Significance.

GeneDx
Classification: Uncertain significance. Last evaluated: 2023-12-11. Review status: criteria provided, single submitter. Criteria: GeneDx Variant Classification Process June 2021. Collection method: clinical testing. Allele origin: germline. Affected: yes.
Comment: Has not been previously published as pathogenic or benign to our knowledge; Not observed at significant frequency in large population cohorts (gnomAD); In silico analysis supports that this missense variant does not alter protein structure/function

NM_053025.4(MYLK):c.2894C>A (p.Thr965Asn)

Gene: MYLK (myosin light chain kinase; minus strand). Cytogenetic location: 3q21.1.
Variant type: single nucleotide variant.
Coding change: c.2894C>A on transcript NM_053025.4 (MANE Select); coding-DNA position 2894, C replaced by A.
Protein change: p.Thr965Asn; replaces threonine 965 with asparagine.
Molecular consequence: missense variant.
Genome position (GRCh38, 1-based): chr3:123,700,574, G>T on the plus strand (C>A on the coding strand, the complement: MYLK is on the minus strand). VCF-style: chr3-123700574-G-T. GRCh37 (hg19) VCF-style: chr3-123419421-G-T.
Other names: c.2366C>A, p.Thr789Asn (NM_001321309.2); c.2687C>A, p.Thr896Asn (NM_053026.4, NM_053028.4); c.2894C>A, p.Thr965Asn (NM_053027.4); c.2894C>A (NM_053025.3); short protein forms T965N, T896N, T789N.
Identifiers: ClinVar variation 2894568 (VCV002894568.4), dbSNP rs758996239, ClinGen allele CA069124.
Genomic context (GRCh38, chr3:123,700,574, plus strand): 5'-AGCACTGAGCGAAAATCCGGGGTGGCAGGTTTTGGCGGTGGCACCTTCTCAGGCACGGGG[G>T]TCTTGGAAGTCCCCTTCTTGGCCAGGACAGAGCGAAAATCGACCTGCTGGGGGCTGTGCA-3'
Protein context (NP_444253.3, residues 955-975): SVLAKKGTSK[Thr965Asn]PVPEKVPPPK